The following is an entry in ClinVar:

ClinVar aggregate classification (germline): Uncertain significance (1 of 4 stars; one submission).

Submission:

Labcorp Genetics (formerly Invitae), Labcorp
Classification: Uncertain significance. Last evaluated: 2024-03-16. Review status: criteria provided, single submitter. Criteria: Invitae Variant Classification Sherloc (09022015). Collection method: clinical testing. Allele origin: germline.
Comment: This sequence change creates a premature translational stop signal (p.Pro2646Argfs*8) in the DCHS1 gene. While this is not anticipated to result in nonsense mediated decay, it is expected to disrupt the last 653 amino acid(s) of the DCHS1 protein. This variant is not present in population databases (gnomAD no frequency). This variant has not been reported in the literature in individuals affected with DCHS1-related conditions. Experimental studies and prediction algorithms are not available or were not evaluated, and the functional significance of this variant is currently unknown. In summary, the available evidence is currently insufficient to determine the role of this variant in disease. Therefore, it has been classified as a Variant of Uncertain Significance.

NM_003737.4(DCHS1):c.7929_7935dup (p.Pro2646fs)

Gene: DCHS1 (dachsous cadherin-related 1; minus strand). Cytogenetic location: 11p15.4.
Variant type: Duplication.
Coding change: c.7929_7935dup on transcript NM_003737.4 (MANE Select); coding-DNA positions 7929 to 7935, 7 bases duplicated (AGGCGAC; older notation c.7929_7935dupAGGCGAC).
Protein change: p.Pro2646fs; shifts the reading frame from proline 2646.
Molecular consequence: frameshift variant.
Genome position (GRCh38, 1-based): chr11:6,623,741-6,623,747, GTCGCCT duplicated on the plus strand (AGGCGAC on the coding strand, the reverse complement: DCHS1 is on the minus strand); duplicating any 7 consecutive bases within chr11:6,623,741-6,623,748 gives the same sequence; the c. name uses the placement nearest the transcript's 3' end. VCF-style (leftmost placement, unchanged base first): chr11-6623740-G-GGTCGCCT. GRCh37 (hg19) VCF-style: chr11-6644971-G-GGTCGCCT.
Other names: short protein forms P2646fs.
Identifiers: ClinVar variation 3646368 (VCV003646368.2).